The following is an entry in ClinVar:

NM_000170.3(GLDC):c.2957T>C (p.Ile986Thr)

Gene: GLDC (glycine decarboxylase; minus strand). Cytogenetic location: 9p24.1.
Variant type: single nucleotide variant.
Coding change: c.2957T>C on transcript NM_000170.3 (MANE Select); coding-DNA position 2957, T replaced by C.
Protein change: p.Ile986Thr; replaces isoleucine 986 with threonine.
Molecular consequence: missense variant.
Genome position (GRCh38, 1-based): chr9:6,533,123, A>G on the plus strand (T>C on the coding strand, the complement: GLDC is on the minus strand). VCF-style: chr9-6533123-A-G. GRCh37 (hg19) VCF-style: chr9-6533123-A-G.
Other names: short protein forms I986T.
Identifiers: ClinVar variation 1396202 (VCV001396202.12), dbSNP rs1817036068, ClinGen allele CA372881707.

ClinVar aggregate classification (germline): Uncertain significance (1 of 4 stars; one submission).

Conditions:
Glycine encephalopathy. Also called: Nonketotic hyperglycinemia; Non-ketotic hyperglycinemia. Identifiers: Orphanet 407, MedGen C0751748, MONDO:0011612, HP:0008288.

gnomAD v4.1: 4 of 1,613,238 alleles (0.00025%); highest among the groups gnomAD compares: Non-Finnish European, 0.00034%; no homozygotes.

Submission:

Labcorp Genetics (formerly Invitae), Labcorp
Classification: Uncertain significance for Glycine encephalopathy. Last evaluated: 2023-08-24. Review status: criteria provided, single submitter. Criteria: Invitae Variant Classification Sherloc (09022015). Collection method: clinical testing. Allele origin: germline.
Comment: Advanced modeling of protein sequence and biophysical properties (such as structural, functional, and spatial information, amino acid conservation, physicochemical variation, residue mobility, and thermodynamic stability) performed at Invitae indicates that this missense variant is not expected to disrupt GLDC protein function. ClinVar contains an entry for this variant (Variation ID: 1396202). This variant has not been reported in the literature in individuals affected with GLDC-related conditions. This variant is not present in population databases (gnomAD no frequency). This sequence change replaces isoleucine, which is neutral and non-polar, with threonine, which is neutral and polar, at codon 986 of the GLDC protein (p.Ile986Thr). In summary, the available evidence is currently insufficient to determine the role of this variant in disease. Therefore, it has been classified as a Variant of Uncertain Significance.